The following is an entry in ClinVar:

ClinVar aggregate classification (germline): Uncertain significance. Review status: criteria provided, multiple submitters, no conflicts (2 of 4 stars). 2 submissions from 2 submitters: Uncertain significance (2). Last evaluated 2025-01-02.

Conditions:
Bailey-Bloch congenital myopathy (CMYO13). Also called: Native American myopathy; Congenital myopathy 13; STAC3 disorder. Identifiers: Orphanet 168572, MedGen C1850625, MONDO:0009722, OMIM 255995.

Allele frequency attached by ClinVar (database versions not stated): ESP Exome Variant Server 0.00008; TOPMed 0.00014; gnomAD 0.00013 and 0.00015; 1000 Genomes Project 0.00040; 1000 Genomes Project 30x 0.00031.
gnomAD v4.1: 57 of 1,592,502 alleles (0.0036%); highest among the groups gnomAD compares: African/African-American, 0.036%; no homozygotes.

Submissions (2):

GeneDx
Classification: Uncertain significance. Last evaluated: 2025-01-02. Review status: criteria provided, single submitter. Criteria: GeneDx Variant Classification Process June 2021. Collection method: clinical testing. Allele origin: germline.
Comment: In silico analysis indicates that this missense variant does not alter protein structure/function; Has not been previously published as pathogenic or benign to our knowledge

Labcorp Genetics (formerly Invitae), Labcorp
Classification: Uncertain significance for Bailey-Bloch congenital myopathy. Last evaluated: 2023-07-17. Review status: criteria provided, single submitter. Criteria: Invitae Variant Classification Sherloc (09022015). Collection method: clinical testing. Allele origin: germline.
Comment: This sequence change replaces arginine, which is basic and polar, with glutamine, which is neutral and polar, at codon 108 of the STAC3 protein (p.Arg108Gln). This variant is present in population databases (rs186941885, gnomAD 0.03%). This variant has not been reported in the literature in individuals affected with STAC3-related conditions. ClinVar contains an entry for this variant (Variation ID: 961299). Advanced modeling of protein sequence and biophysical properties (such as structural, functional, and spatial information, amino acid conservation, physicochemical variation, residue mobility, and thermodynamic stability) performed at Invitae indicates that this missense variant is not expected to disrupt STAC3 protein function. In summary, the available evidence is currently insufficient to determine the role of this variant in disease. Therefore, it has been classified as a Variant of Uncertain Significance.

NM_145064.3(STAC3):c.323G>A (p.Arg108Gln)

Gene: STAC3 (SH3 and cysteine rich domain 3; minus strand). Cytogenetic location: 12q13.3.
Variant type: single nucleotide variant.
Coding change: c.323G>A on transcript NM_145064.3 (MANE Select); coding-DNA position 323, G replaced by A.
Protein change: p.Arg108Gln; replaces arginine 108 with glutamine.
Molecular consequence: missense variant. On other transcripts: intron variant (1).
Genome position (GRCh38, 1-based): chr12:57,249,052, C>T on the plus strand (G>A on the coding strand, the complement: STAC3 is on the minus strand). VCF-style: chr12-57249052-C-T. GRCh37 (hg19) VCF-style: chr12-57642835-C-T.
Other names: c.206G>A, p.Arg69Gln (NM_001286256.2); c.-126-854G>A (NM_001286257.2); short protein forms R108Q, R69Q.
Identifiers: ClinVar variation 961299 (VCV000961299.8), dbSNP rs186941885, ClinGen allele CA6647201.